The following is an entry in ClinVar:

ClinVar aggregate classification (germline): Uncertain significance. Review status: criteria provided, multiple submitters, no conflicts (2 of 4 stars). 5 submissions from 5 submitters: Uncertain significance (5). Last evaluated 2026-01-11.

Conditions:
Gnathodiaphyseal dysplasia (GDD). Also called: GNATHODIAPHYSEAL SCLEROSIS; OSTEOGENESIS IMPERFECTA WITH UNUSUAL SKELETAL LESIONS. Identifiers: Orphanet 53697, MedGen C1833736, MONDO:0008151, OMIM 166260.
Autosomal recessive limb-girdle muscular dystrophy type 2L (LGMDR12). Also called: MUSCULAR DYSTROPHY, LIMB-GIRDLE, AUTOSOMAL RECESSIVE 12; Limb-Girdle Muscular Dystrophy R12 Anoctamin-5-Related (LGMD-R12); Limb-girdle muscular dystrophy, type 2L. Identifiers: Orphanet 206549, MedGen C1969785, MONDO:0012652, OMIM 611307.
ANO5-Related Muscle Diseases. Identifiers: MedGen CN180644.

Allele frequency attached by ClinVar (database versions not stated): gnomAD 0.00002 and 0.00019; gnomAD exomes 0.00002; TOPMed 0.00022; ExAC 0.00002.

Submissions (5):

Labcorp Genetics (formerly Invitae), Labcorp
Classification: Uncertain significance for Autosomal recessive limb-girdle muscular dystrophy type 2L; Gnathodiaphyseal dysplasia. Last evaluated: 2026-01-11. Review status: criteria provided, single submitter. Criteria: Invitae Variant Classification Sherloc (09022015). Collection method: clinical testing. Allele origin: germline.
Comment: This sequence change replaces proline, which is neutral and non-polar, with leucine, which is neutral and non-polar, at codon 266 of the ANO5 protein (p.Pro266Leu). This variant is present in population databases (rs745908606, gnomAD 0.004%). This missense change has been observed in individual(s) with limb-girdle muscular weakness or dystrophy (PMID: 25891276, 39678382). ClinVar contains an entry for this variant (Variation ID: 500656). Invitae Evidence Modeling of protein sequence and biophysical properties (such as structural, functional, and spatial information, amino acid conservation, physicochemical variation, residue mobility, and thermodynamic stability) has been performed for this missense variant. However, the output from this modeling did not meet the statistical confidence thresholds required to predict the impact of this variant on ANO5 protein function. In summary, the available evidence is currently insufficient to determine the role of this variant in disease. Therefore, it has been classified as a Variant of Uncertain Significance.

Revvity Omics, Revvity
Classification: Uncertain significance. Last evaluated: 2024-08-09. Review status: criteria provided, single submitter. Criteria: ACMG Guidelines, 2015. Collection method: clinical testing. Allele origin: germline.

Women's Health and Genetics/Laboratory Corporation of America, LabCorp
Classification: Uncertain significance. Last evaluated: 2023-07-25. Review status: criteria provided, single submitter. Criteria: LabCorp Variant Classification Summary - May 2015. Collection method: clinical testing. Allele origin: germline.
Comment: Variant summary: ANO5 c.797C>T (p.Pro266Leu) results in a non-conservative amino acid change located in the Anoctamin, dimerisation domain (IPR032394) of the encoded protein sequence. Four of five in-silico tools predict a benign effect of the variant on protein function. The variant allele was found at a frequency of 2.4e-05 in 251202 control chromosomes. The available data on variant occurrences in the general population are insufficient to allow any conclusion about variant significance. c.797C>T has been reported in the literature in at least one heterozygous individual with clinical features of limb-girdle muscular dystrophy (e.g., Savarese_2015). However, this report does not provide unequivocal conclusions about association of the variant with Limb-Girdle Muscular Dystrophy, Autosomal Recessive. To our knowledge, no experimental evidence demonstrating an impact on protein function has been reported. The following publication has been ascertained in the context of this evaluation (PMID: 25891276). Three submitters have cited clinical-significance assessments for this variant to ClinVar after 2014. All submitters classified the variant as uncertain significance. Based on the evidence outlined above, the variant was classified as uncertain significance.

Illumina Laboratory Services, Illumina
Classification: Uncertain significance for ANO5-Related Muscle Diseases. Last evaluated: 2017-04-27. Review status: criteria provided, single submitter. Criteria: ICSL Variant Classification Criteria 13 December 2019. Collection method: clinical testing. Allele origin: germline.

Eurofins Ntd Llc (ga)
Classification: Uncertain significance. Last evaluated: 2017-02-28. Review status: criteria provided, single submitter. Criteria: EGL Classification Definitions 2015. Collection method: clinical testing. Allele origin: germline. Observed: 3 variant alleles, 3 heterozygotes.

Literature cited by the submitters: PubMed 25891276 (cited by Labcorp Genetics (formerly Invitae), Labcorp and Women's Health and Genetics/Laboratory Corporation of America, LabCorp); PubMed 39678382 (cited by Labcorp Genetics (formerly Invitae), Labcorp).

NM_213599.3(ANO5):c.797C>T (p.Pro266Leu)

Gene: ANO5 (anoctamin 5; plus strand). Cytogenetic location: 11p14.3.
Variant type: single nucleotide variant.
Coding change: c.797C>T on transcript NM_213599.3 (MANE Select); coding-DNA position 797, C replaced by T.
Protein change: p.Pro266Leu; replaces proline 266 with leucine.
Molecular consequence: missense variant.
Genome position (GRCh38, 1-based): chr11:22,239,603, C>T. VCF-style: chr11-22239603-C-T. GRCh37 (hg19) VCF-style: chr11-22261149-C-T.
Other names: c.794C>T, p.Pro265Leu (NM_001142649.2); short protein forms P266L, P265L.
Identifiers: ClinVar variation 500656 (VCV000500656.19), dbSNP rs745908606, ClinGen allele CA5923034.